The following is an entry in ClinVar:

ClinVar aggregate classification (germline): Uncertain significance (1 of 4 stars; one submission).

Conditions:
2-aminoadipic 2-oxoadipic aciduria (AAKAD). Also called: Aminoadipic aciduria; ALPHA-AMINOADIPIC AND ALPHA-KETOADIPIC ACIDURIA. Identifiers: Orphanet 79154, MedGen C1859817, MONDO:0008774, OMIM 204750.

Allele frequency attached by ClinVar (database versions not stated): gnomAD exomes 0.00001; ExAC 0.00002; TOPMed 0.00002.
gnomAD v4.1: 14 of 1,614,024 alleles (0.00087%); highest among the groups gnomAD compares: Non-Finnish European, 0.0011%; no homozygotes.

Submission:

Labcorp Genetics (formerly Invitae), Labcorp
Classification: Uncertain significance for 2-aminoadipic 2-oxoadipic aciduria. Last evaluated: 2024-08-14. Review status: criteria provided, single submitter. Criteria: Invitae Variant Classification Sherloc (09022015). Collection method: clinical testing. Allele origin: germline.
Comment: This sequence change replaces arginine, which is basic and polar, with histidine, which is basic and polar, at codon 598 of the DHTKD1 protein (p.Arg598His). This variant is present in population databases (rs748717694, gnomAD 0.006%). This variant has not been reported in the literature in individuals affected with DHTKD1-related conditions. Invitae Evidence Modeling of protein sequence and biophysical properties (such as structural, functional, and spatial information, amino acid conservation, physicochemical variation, residue mobility, and thermodynamic stability) indicates that this missense variant is expected to disrupt DHTKD1 protein function with a positive predictive value of 80%. In summary, the available evidence is currently insufficient to determine the role of this variant in disease. Therefore, it has been classified as a Variant of Uncertain Significance.

NM_018706.7(DHTKD1):c.1793G>A (p.Arg598His)

Gene: DHTKD1 (dehydrogenase E1 and transketolase domain containing 1; plus strand). Cytogenetic location: 10p14.
Variant type: single nucleotide variant.
Coding change: c.1793G>A on transcript NM_018706.7 (MANE Select); coding-DNA position 1793, G replaced by A.
Protein change: p.Arg598His; replaces arginine 598 with histidine.
Molecular consequence: missense variant.
Genome position (GRCh38, 1-based): chr10:12,101,078, G>A. VCF-style: chr10-12101078-G-A. GRCh37 (hg19) VCF-style: chr10-12143077-G-A.
Other names: short protein forms R598H.
Identifiers: ClinVar variation 2984958 (VCV002984958.3), dbSNP rs748717694, ClinGen allele CA5408036.